The following is an entry in ClinVar:

NM_053025.4(MYLK):c.1390T>G (p.Tyr464Asp)

Gene: MYLK (myosin light chain kinase; minus strand). Cytogenetic location: 3q21.1.
Variant type: single nucleotide variant.
Coding change: c.1390T>G on transcript NM_053025.4 (MANE Select); coding-DNA position 1390, T replaced by G.
Protein change: p.Tyr464Asp; replaces tyrosine 464 with aspartic acid.
Molecular consequence: missense variant. On other transcripts: intron variant (2).
Genome position (GRCh38, 1-based): chr3:123,733,022, A>C on the plus strand (T>G on the coding strand, the complement: MYLK is on the minus strand). VCF-style: chr3-123733022-A-C. GRCh37 (hg19) VCF-style: chr3-123451869-A-C.
Other names: c.862T>G, p.Tyr288Asp (NM_001321309.2); c.1390T>G, p.Tyr464Asp (NM_053027.4); c.1309+665T>G (NM_053028.4, NM_053026.4); short protein forms Y288D, Y464D.
Identifiers: ClinVar variation 1771551 (VCV001771551.8), dbSNP rs780152376, ClinGen allele CA067059.

ClinVar aggregate classification (germline): Uncertain significance. Review status: criteria provided, multiple submitters, no conflicts (2 of 4 stars). 3 submissions from 3 submitters: Uncertain significance (3). Last evaluated 2025-10-06.

Conditions:
Familial thoracic aortic aneurysm and aortic dissection (TAAD). Also called: Thoracic aortic aneurysms and dissections. Identifiers: Orphanet 91387, MedGen C4707243, MONDO:0019625.
Aortic aneurysm, familial thoracic 7 (AAT7). Also called: AORTIC DISSECTION, FAMILIAL, WITH OR WITHOUT AORTIC ANEURYSM. Identifiers: MedGen C3151077, MONDO:0013418, OMIM 613780.

Allele frequency attached by ClinVar (database versions not stated): TOPMed 0.00001; ExAC 0.00002; gnomAD 0.00002; gnomAD exomes 0.00002.
gnomAD v4.1: 27 of 1,614,014 alleles (0.0017%); highest among the groups gnomAD compares: South Asian, 0.025%; no homozygotes.

Submissions (3):

Labcorp Genetics (formerly Invitae), Labcorp
Classification: Uncertain significance for Aortic aneurysm, familial thoracic 7. Last evaluated: 2025-10-06. Review status: criteria provided, single submitter. Criteria: Invitae Variant Classification Sherloc (09022015). Collection method: clinical testing. Allele origin: germline.
Comment: This sequence change replaces tyrosine, which is neutral and polar, with aspartic acid, which is acidic and polar, at codon 464 of the MYLK protein (p.Tyr464Asp). This variant is present in population databases (rs780152376, gnomAD 0.01%). This variant has not been reported in the literature in individuals affected with MYLK-related conditions. ClinVar contains an entry for this variant (Variation ID: 1771551). Invitae Evidence Modeling of protein sequence and biophysical properties (such as structural, functional, and spatial information, amino acid conservation, physicochemical variation, residue mobility, and thermodynamic stability) indicates that this missense variant is not expected to disrupt MYLK protein function with a negative predictive value of 95%. In summary, the available evidence is currently insufficient to determine the role of this variant in disease. Therefore, it has been classified as a Variant of Uncertain Significance.

CHEO Genetics Diagnostic Laboratory, Children's Hospital of Eastern Ontario
Classification: Uncertain significance for Familial thoracic aortic aneurysm and aortic dissection. Last evaluated: 2021-06-03. Review status: criteria provided, single submitter. Criteria: ACMG Guidelines, 2015. Collection method: clinical testing. Allele origin: germline.

Ambry Genetics
Classification: Uncertain significance for Familial thoracic aortic aneurysm and aortic dissection. Last evaluated: 2019-04-23. Review status: criteria provided, single submitter. Criteria: Ambry Variant Classification Scheme 2023. Collection method: clinical testing. Allele origin: germline.
Comment: The p.Y464D variant (also known as c.1390T>G), located in coding exon 8 of the MYLK gene, results from a T to G substitution at nucleotide position 1390. The tyrosine at codon 464 is replaced by aspartic acid, an amino acid with highly dissimilar properties. This amino acid position is not well conserved in available vertebrate species. In addition, the in silico prediction for this alteration is inconclusive. Since supporting evidence is limited at this time, the clinical significance of this alteration remains unclear.